The following is an entry in ClinVar:

ClinVar aggregate classification (germline): Conflicting classifications of pathogenicity. Review status: criteria provided, conflicting classifications (1 of 4 stars). 8 submissions from 7 submitters: Uncertain significance (7); Likely benign (1). Last evaluated 2026-01-16.

Conditions:
Rhabdoid tumor predisposition syndrome 2 (RTPS2). Identifiers: Orphanet 231108, Orphanet 69077, MedGen C2750074, MONDO:0013224, OMIM 613325.
Otosclerosis 12. Identifiers: MedGen C5935610, MONDO:0968980, OMIM 620792.
Intellectual disability, autosomal dominant 16 (CSS4). Also called: COFFIN-SIRIS SYNDROME 4. Identifiers: Orphanet 1465, MedGen C3553249, MONDO:0013821, OMIM 614609.
Hereditary cancer-predisposing syndrome. Also called: Neoplastic Syndromes, Hereditary; Hereditary neoplastic syndrome; Tumor predisposition; Hereditary Cancer Syndrome. Identifiers: Orphanet 140162, MedGen C0027672, MeSH D009386, MONDO:0015356.

Allele frequency attached by ClinVar (database versions not stated): gnomAD exomes 0.00002; ExAC 0.00003; gnomAD 0.00003; TOPMed 0.00003; 1000 Genomes Project 30x 0.00016.
gnomAD v4.1: 35 of 1,610,450 alleles (0.0022%); highest among the groups gnomAD compares: African/African-American, 0.004%; no homozygotes.

Submissions (8):

Labcorp Genetics (formerly Invitae), Labcorp
Classification: Uncertain significance for Rhabdoid tumor predisposition syndrome 2. Last evaluated: 2026-01-16. Review status: criteria provided, single submitter. Criteria: Invitae Variant Classification Sherloc (09022015). Collection method: clinical testing. Allele origin: germline.
Comment: This sequence change replaces glycine, which is neutral and non-polar, with serine, which is neutral and polar, at codon 1146 of the SMARCA4 protein (p.Gly1146Ser). This variant is present in population databases (rs200007170, gnomAD 0.009%). This missense change has been observed in individual(s) with neurodevelopmental disorder (PMID: 37500730). ClinVar contains an entry for this variant (Variation ID: 238428). Invitae Evidence Modeling of protein sequence and biophysical properties (such as structural, functional, and spatial information, amino acid conservation, physicochemical variation, residue mobility, and thermodynamic stability) indicates that this missense variant is not expected to disrupt SMARCA4 protein function with a negative predictive value of 95%. In summary, the available evidence is currently insufficient to determine the role of this variant in disease. Therefore, it has been classified as a Variant of Uncertain Significance.

Quest Diagnostics Nichols Institute San Juan Capistrano
Classification: Uncertain significance. Last evaluated: 2025-05-30. Review status: criteria provided, single submitter. Criteria: Quest Diagnostics criteria. Collection method: clinical testing. Allele origin: unknown.
Comment: The SMARCA4 c.3436G>A (p.Gly1146Ser) variant has been reported in the published literature as a somatic variant in a case of colorectal cancer (PMID: 25918285 (2015)). The frequency of this variant in the general population (Genome Aggregation Database) is uninformative in the assessment of its pathogenicity. Analysis of this variant using bioinformatics tools for the prediction of the effect of amino acid changes on protein structure and function yielded predictions that this variant is benign. Based on the available information, we are unable to determine the clinical significance of this variant.

GeneDx
Classification: Uncertain significance. Last evaluated: 2025-04-23. Review status: criteria provided, single submitter. Criteria: GeneDx Variant Classification Process June 2021. Collection method: clinical testing. Allele origin: germline. Affected: yes.
Comment: In silico analysis indicates that this missense variant does not alter protein structure/function; Observed in individuals with neurodevelopmental disorders (PMID: 37500730); This variant is associated with the following publications: (PMID: 25918285, 22895193, 24658002, 37500730)

ARUP Laboratories, Molecular Genetics and Genomics, ARUP Laboratories
Classification: Uncertain significance. Last evaluated: 2024-09-17. Review status: criteria provided, single submitter. Criteria: ARUP Molecular Germline Variant Investigation Process 2024. Collection method: clinical testing. Allele origin: germline.
Comment: The SMARCA4 c.3436G>A; p.Gly1146Ser variant (rs200007170), to our knowledge, is not reported in the medical literature but is reported in ClinVar (Variation ID: 238428). This variant is found in the general population with an overall allele frequency of 0.002% (5/273,222 alleles) in the Genome Aggregation Database (v2.1.1). Computational analyses predict that this variant is neutral (REVEL: 0.077). However, given the lack of clinical and functional data, the significance of this variant is uncertain at this time.

Fulgent Genetics
Classification: Uncertain significance for Rhabdoid tumor predisposition syndrome 2; Intellectual disability, autosomal dominant 16; Otosclerosis 12. Last evaluated: 2024-04-30. Review status: criteria provided, single submitter. Criteria: ACMG Guidelines, 2015. Collection method: clinical testing. Allele origin: germline.

Genome-Nilou Lab
Classification: Uncertain significance for Intellectual disability, autosomal dominant 16. Last evaluated: 2021-07-15. Review status: criteria provided, single submitter. Criteria: ACMG Guidelines, 2015. Collection method: clinical testing. Allele origin: germline. Affected: no.

Ambry Genetics
Classification: Likely benign for Hereditary cancer-predisposing syndrome. Last evaluated: 2019-12-18. Review status: criteria provided, single submitter. Criteria: Ambry Variant Classification Scheme 2023. Collection method: clinical testing. Allele origin: germline.

Fulgent Genetics
Classification: Uncertain significance for Rhabdoid tumor predisposition syndrome 2; Intellectual disability, autosomal dominant 16. Last evaluated: 2018-10-31. Review status: criteria provided, single submitter. Criteria: ACMG Guidelines, 2015. Collection method: clinical testing. Allele origin: unknown.

Literature cited by the submitters: PubMed 37500730 (cited by Labcorp Genetics (formerly Invitae), Labcorp); PubMed 25918285 (cited by Quest Diagnostics Nichols Institute San Juan Capistrano and Ambry Genetics).

NM_003072.5(SMARCA4):c.3436G>A (p.Gly1146Ser)

Gene: SMARCA4 (SWI/SNF related BAF chromatin remodeling complex subunit ATPase 4; plus strand). Cytogenetic location: 19p13.2.
Variant type: single nucleotide variant.
Coding change: c.3436G>A on transcript NM_003072.5 (MANE Select); coding-DNA position 3436, G replaced by A.
Protein change: p.Gly1146Ser; replaces glycine 1146 with serine.
Molecular consequence: missense variant. On other transcripts: non-coding transcript variant (1).
Genome position (GRCh38, 1-based): chr19:11,030,783, G>A. VCF-style: chr19-11030783-G-A. GRCh37 (hg19) VCF-style: chr19-11141459-G-A.
Other names: c.3436G>A, p.Gly1146Ser (NM_001128844.3, NM_001128845.2, NM_001128846.2 and 5 more transcripts); c.3436G>A (NM_001128849.2); short protein forms G1146S.
Identifiers: ClinVar variation 238428 (VCV000238428.23), dbSNP rs200007170, ClinGen allele CA9204425.